The following is an entry in ClinVar:

NM_000165.5(GJA1):c.283C>T (p.His95Tyr)

Gene: GJA1 (gap junction protein alpha 1; plus strand). Cytogenetic location: 6q22.31.
Variant type: single nucleotide variant.
Coding change: c.283C>T on transcript NM_000165.5 (MANE Select); coding-DNA position 283, C replaced by T.
Protein change: p.His95Tyr; replaces histidine 95 with tyrosine.
Molecular consequence: missense variant.
Genome position (GRCh38, 1-based): chr6:121,447,130, C>T. VCF-style: chr6-121447130-C-T. GRCh37 (hg19) VCF-style: chr6-121768276-C-T.
Other names: short protein forms H95Y.
Identifiers: ClinVar variation 2816251 (VCV002816251.3), dbSNP rs2536821601, ClinGen allele CA365558532.

ClinVar aggregate classification (germline): Uncertain significance (1 of 4 stars; one submission).

Conditions:
Oculodentodigital dysplasia, autosomal recessive. Also called: ODDD, AUTOSOMAL RECESSIVE; ODOD, AUTOSOMAL RECESSIVE; OCULODENTOOSSEOUS DYSPLASIA, AUTOSOMAL RECESSIVE. Identifiers: Orphanet 2710, MedGen C2749477, MONDO:0009768, OMIM 257850.

Allele frequency attached by ClinVar (database versions not stated): gnomAD exomes below 0.00001.
gnomAD v4.1: 1 of 1,613,988 alleles (0.000062%); highest among the groups gnomAD compares: Non-Finnish European, 0.000085%; no homozygotes.

Submission:

Labcorp Genetics (formerly Invitae), Labcorp
Classification: Uncertain significance for Oculodentodigital dysplasia, autosomal recessive. Last evaluated: 2025-09-10. Review status: criteria provided, single submitter. Criteria: Invitae Variant Classification Sherloc (09022015). Collection method: clinical testing. Allele origin: germline.
Comment: This sequence change replaces histidine, which is basic and polar, with tyrosine, which is neutral and polar, at codon 95 of the GJA1 protein (p.His95Tyr). This variant is not present in population databases (gnomAD no frequency). This variant has not been reported in the literature in individuals affected with GJA1-related conditions. ClinVar contains an entry for this variant (Variation ID: 2816251). Invitae Evidence Modeling of protein sequence and biophysical properties (such as structural, functional, and spatial information, amino acid conservation, physicochemical variation, residue mobility, and thermodynamic stability) has been performed for this missense variant. However, the output from this modeling did not meet the statistical confidence thresholds required to predict the impact of this variant on GJA1 protein function. In summary, the available evidence is currently insufficient to determine the role of this variant in disease. Therefore, it has been classified as a Variant of Uncertain Significance.